The following is an entry in ClinVar:

NM_001690.4(ATP6V1A):c.715C>T (p.Pro239Ser)

Gene: ATP6V1A (ATPase H+ transporting V1 subunit A; plus strand). Cytogenetic location: 3q13.31.
Variant type: single nucleotide variant.
Coding change: c.715C>T on transcript NM_001690.4 (MANE Select); coding-DNA position 715, C replaced by T.
Protein change: p.Pro239Ser; replaces proline 239 with serine.
Molecular consequence: missense variant.
Genome position (GRCh38, 1-based): chr3:113,786,382, C>T. VCF-style: chr3-113786382-C-T. GRCh37 (hg19) VCF-style: chr3-113505229-C-T.
Other names: short protein forms P239S.
Identifiers: ClinVar variation 1499294 (VCV001499294.8), dbSNP rs2108031423, ClinGen allele CA354011232.

ClinVar aggregate classification (germline): Uncertain significance (1 of 4 stars; one submission).

Submission:

Labcorp Genetics (formerly Invitae), Labcorp
Classification: Uncertain significance. Last evaluated: 2022-01-14. Review status: criteria provided, single submitter. Criteria: Invitae Variant Classification Sherloc (09022015). Collection method: clinical testing. Allele origin: germline.
Comment: In summary, the available evidence is currently insufficient to determine the role of this variant in disease. Therefore, it has been classified as a Variant of Uncertain Significance. This sequence change replaces proline, which is neutral and non-polar, with serine, which is neutral and polar, at codon 239 of the ATP6V1A protein (p.Pro239Ser). This variant is not present in population databases (gnomAD no frequency). This variant has not been reported in the literature in individuals affected with ATP6V1A-related conditions. Algorithms developed to predict the effect of missense changes on protein structure and function are either unavailable or do not agree on the potential impact of this missense change (SIFT: "Deleterious"; PolyPhen-2: "Probably Damaging"; Align-GVGD: "Class C0").